The following is an entry in ClinVar:

NM_000238.4(KCNH2):c.1707_1711dup (p.Ile571fs)

Gene: KCNH2 (potassium voltage-gated channel subfamily H member 2; minus strand). Cytogenetic location: 7q36.1.
Variant type: Duplication.
Coding change: c.1707_1711dup on transcript NM_000238.4 (MANE Select); coding-DNA positions 1707 to 1711, 5 bases duplicated (CGCCA; older notation c.1707_1711dupCGCCA).
Protein change: p.Ile571fs; shifts the reading frame from isoleucine 571.
Molecular consequence: frameshift variant.
Genome position (GRCh38, 1-based): chr7:150,951,682-150,951,686, TGGCG duplicated on the plus strand (CGCCA on the coding strand, the reverse complement: KCNH2 is on the minus strand); duplicating any 5 consecutive bases within chr7:150,951,682-150,951,687 gives the same sequence; the c. name uses the placement nearest the transcript's 3' end. VCF-style (leftmost placement, unchanged base first): chr7-150951681-A-ATGGCG. GRCh37 (hg19) VCF-style: chr7-150648769-A-ATGGCG.
Other names: c.687_691dup, p.Ile231fs (NM_001204798.2, NM_172057.3); c.1418_1422dup, p.Ile475Thrfs (NM_001406753.1, NM_001406756.1); c.1529_1533dup, p.Ile512Thrfs (NM_001406755.1); c.1406_1410dup, p.Ile471Thrfs (NM_001406757.1); c.1706_1710dup, p.Ile571Thrfs (NM_172056.3); short protein forms I231fs, I571fs.
Identifiers: ClinVar variation 1070567 (VCV001070567.9), dbSNP rs2116962569, ClinGen allele CA2499218808.

ClinVar aggregate classification (germline): Pathogenic (1 of 4 stars; one submission).

Conditions:
Long QT syndrome (LQTS). Identifiers: MedGen C0023976, MeSH D008133, MONDO:0002442. Disease mechanism: loss of function. Inheritance: Various modes of inheritance.

Submission:

Labcorp Genetics (formerly Invitae), Labcorp
Classification: Pathogenic for Long QT syndrome. Last evaluated: 2020-08-21. Review status: criteria provided, single submitter. Criteria: Invitae Variant Classification Sherloc (09022015). Collection method: clinical testing. Allele origin: germline.
Comment: For these reasons, this variant has been classified as Pathogenic. Loss-of-function variants in KCNH2 are known to be pathogenic (PMID: 10973849, 19862833). This variant has not been reported in the literature in individuals with KCNH2-related conditions. This variant is not present in population databases (ExAC no frequency). This sequence change creates a premature translational stop signal (p.Ile571Thrfs*25) in the KCNH2 gene. It is expected to result in an absent or disrupted protein product.

Literature cited by the submitters: PubMed 10973849; PubMed 19862833.